The following is an entry in ClinVar:

NM_052947.4(ALPK2):c.5765A>G (p.Glu1922Gly)

Gene: ALPK2 (alpha kinase 2; minus strand). Cytogenetic location: 18q21.31.
Variant type: single nucleotide variant.
Coding change: c.5765A>G on transcript NM_052947.4 (MANE Select); coding-DNA position 5765, A replaced by G.
Protein change: p.Glu1922Gly; replaces glutamic acid 1922 with glycine.
Molecular consequence: missense variant.
Genome position (GRCh38, 1-based): chr18:58,517,083, T>C on the plus strand (A>G on the coding strand, the complement: ALPK2 is on the minus strand). VCF-style: chr18-58517083-T-C. GRCh37 (hg19) VCF-style: chr18-56184315-T-C.
Other names: short protein forms E1922G.
Identifiers: ClinVar variation 3529997 (VCV003529997.1).
Genomic context (GRCh38, chr18:58,517,083, plus strand): 5'-AGGCCGTGCATCACTGTGCTGCGGAAGGCTTTGCGGTGAACCCCTTCTCCAAAGTGCAGC[T>C]CCTCCGTGGCGATCTGACCACGCAGGCGGCCCCCAAAGTAGCTGTCATGGAGGAAGTCTT-3'
Protein context (NP_443179.3, residues 1912-1932): GRLRGQIATE[Glu1922Gly]LHFGEGVHRK

ClinVar aggregate classification (germline): Uncertain significance (1 of 4 stars; one submission).

gnomAD v4.1: 1 of 1,614,236 alleles (0.000062%); highest among the groups gnomAD compares: South Asian, 0.0011%; no homozygotes.

Submission:

Ambry Genetics
Classification: Uncertain significance. Last evaluated: 2024-10-17. Review status: criteria provided, single submitter. Criteria: Ambry Variant Classification Scheme 2023. Collection method: clinical testing. Allele origin: germline.
Comment: The p.E1922G variant (also known as c.5765A>G), located in coding exon 8 of the ALPK2 gene, results from an A to G substitution at nucleotide position 5765. The glutamic acid at codon 1922 is replaced by glycine, an amino acid with similar properties. This amino acid position is conserved. In addition, this alteration is predicted to be tolerated by in silico analysis. Based on the available evidence, the clinical significance of this variant remains unclear.